The following is an entry in ClinVar:

ClinVar aggregate classification (germline): Likely benign. Review status: criteria provided, multiple submitters, no conflicts (2 of 4 stars). 3 submissions from 3 submitters: Likely benign (2). 1 of the submissions does not count toward it. Last evaluated 2018-07-26.

Conditions:
CAPN12-related disorder. Also called: CAPN12-related condition.

Submissions (3):

Labcorp Genetics (formerly Invitae), Labcorp
Classification: Likely benign. Last evaluated: 2018-07-26. Review status: criteria provided, single submitter. Criteria: Invitae Variant Classification Sherloc (09022015). Collection method: clinical testing. Allele origin: germline.

Breakthrough Genomics
Classification: Likely benign. Review status: criteria provided, single submitter. Criteria: ACMG Guidelines, 2015. Collection method: not provided. Allele origin: germline. Inheritance: Unknown mechanism. Affected: yes.

PreventionGenetics, part of Exact Sciences
Classification: Likely benign for CAPN12-related condition. Last evaluated: 2019-05-29. Review status: no assertion criteria provided. Collection method: clinical testing. Allele origin: germline. Not counted in ClinVar's aggregate classification.
Comment: This variant is classified as likely benign based on ACMG/AMP sequence variant interpretation guidelines (Richards et al. 2015 PMID: 25741868, with internal and published modifications).

NM_144691.4(CAPN12):c.1230A>C (p.Ala410=)

Gene: CAPN12 (calpain 12; minus strand). Cytogenetic location: 19q13.2.
Variant type: single nucleotide variant.
Coding change: c.1230A>C on transcript NM_144691.4 (MANE Select); coding-DNA position 1230, A replaced by C.
Protein change: p.Ala410=; no amino-acid change (alanine 410 retained).
Molecular consequence: synonymous variant.
Genome position (GRCh38, 1-based): chr19:38,737,288, T>G on the plus strand (A>C on the coding strand, the complement: CAPN12 is on the minus strand). VCF-style: chr19-38737288-T-G. GRCh37 (hg19) VCF-style: chr19-39227928-T-G.
Identifiers: ClinVar variation 736501 (VCV000736501.6), dbSNP rs866494898, ClinGen allele CA507356590.